The following is an entry in ClinVar:

ClinVar aggregate classification (germline): Conflicting classifications of pathogenicity. Review status: criteria provided, conflicting classifications (1 of 4 stars). 3 submissions from 3 submitters: Uncertain significance (2); Likely benign (1). Last evaluated 2025-10-21.

Conditions:
Mucolipidosis type IV (ML4). Also called: ML IV. Identifiers: Orphanet 578, MedGen C0238286, MONDO:0009653, OMIM 252650.
Inborn genetic diseases. Identifiers: MedGen C0950123, MeSH D030342.

gnomAD v4.1: 61 of 1,613,656 alleles (0.0038%); highest among the groups gnomAD compares: Admixed American, 0.058%; no homozygotes.

Submissions (3):

Labcorp Genetics (formerly Invitae), Labcorp
Classification: Likely benign for Mucolipidosis type IV. Last evaluated: 2025-10-21. Review status: criteria provided, single submitter. Criteria: Invitae Variant Classification Sherloc (09022015). Collection method: clinical testing. Allele origin: germline.

GeneDx
Classification: Uncertain significance. Last evaluated: 2024-06-21. Review status: criteria provided, single submitter. Criteria: GeneDx Variant Classification Process June 2021. Collection method: clinical testing. Allele origin: germline. Affected: yes.
Comment: In silico analysis indicates that this missense variant does not alter protein structure/function; Has not been previously published as pathogenic or benign to our knowledge

Ambry Genetics
Classification: Uncertain significance for Inborn genetic diseases. Last evaluated: 2023-12-09. Review status: criteria provided, single submitter. Criteria: Ambry Variant Classification Scheme 2023. Collection method: clinical testing. Allele origin: germline.

NM_020533.3(MCOLN1):c.61G>A (p.Gly21Arg)

Gene: MCOLN1 (mucolipin TRP cation channel 1; plus strand). Cytogenetic location: 19p13.2.
Variant type: single nucleotide variant.
Coding change: c.61G>A on transcript NM_020533.3 (MANE Select); coding-DNA position 61, G replaced by A.
Protein change: p.Gly21Arg; replaces glycine 21 with arginine.
Molecular consequence: missense variant.
Genome position (GRCh38, 1-based): chr19:7,524,990, G>A. VCF-style: chr19-7524990-G-A. GRCh37 (hg19) VCF-style: chr19-7589876-G-A.
Other names: short protein forms G21R.
Identifiers: ClinVar variation 2085696 (VCV002085696.4), dbSNP rs756440792, ClinGen allele CA9138594.
Genomic context (GRCh38, chr19:7,524,990, plus strand): 5'-CTCACCCCAGTGCCCTCTCCTATTCCCACAGAGACCGAGCGGCTTCTGACCCCCAACCCC[G>A]GGTATGGGACCCAGGCGGGGCCTTCACCGGCCCCTCCGACACCCCCAGAAGAGGAAGACC-3'
Protein context (NP_065394.1, residues 11-31): ETERLLTPNP[Gly21Arg]YGTQAGPSPA